The following is an entry in ClinVar:

ClinVar aggregate classification (germline): Uncertain significance (1 of 4 stars; one submission).

Conditions:
Inborn genetic diseases. Identifiers: MedGen C0950123, MeSH D030342.

Allele frequency attached by ClinVar (database versions not stated): gnomAD exomes below 0.00001; ExAC 0.00001; gnomAD 0.00001; TOPMed 0.00002.

Submission:

Ambry Genetics
Classification: Uncertain significance for Inborn genetic diseases. Last evaluated: 2024-05-31. Review status: criteria provided, single submitter. Criteria: Ambry Variant Classification Scheme 2023. Collection method: clinical testing. Allele origin: germline.
Comment: The p.L2383I variant (also known as c.7147C>A), located in coding exon 48 of the LRRK2 gene, results from a C to A substitution at nucleotide position 7147. The leucine at codon 2383 is replaced by isoleucine, an amino acid with highly similar properties. This amino acid position is conserved. In addition, this alteration is predicted to be tolerated by in silico analysis. Since supporting evidence is limited at this time, the clinical significance of this alteration remains unclear.

NM_198578.4(LRRK2):c.7147C>A (p.Leu2383Ile)

Gene: LRRK2 (leucine rich repeat kinase 2; plus strand). Cytogenetic location: 12q12.
Variant type: single nucleotide variant.
Coding change: c.7147C>A on transcript NM_198578.4 (MANE Select); coding-DNA position 7147, C replaced by A.
Protein change: p.Leu2383Ile; replaces leucine 2383 with isoleucine.
Molecular consequence: missense variant.
Genome position (GRCh38, 1-based): chr12:40,363,520, C>A. VCF-style: chr12-40363520-C-A. GRCh37 (hg19) VCF-style: chr12-40757322-C-A.
Other names: short protein forms L2383I.
Identifiers: ClinVar variation 1757364 (VCV001757364.3), dbSNP rs751040205, ClinGen allele CA6514852.